The following is an entry in ClinVar:

ClinVar aggregate classification (germline): Conflicting classifications of pathogenicity. Review status: criteria provided, conflicting classifications (1 of 4 stars). 3 submissions from 3 submitters: Uncertain significance (2); Likely benign (1). Last evaluated 2026-06-08.

Conditions:
Hereditary cancer-predisposing syndrome. Also called: Neoplastic Syndromes, Hereditary; Tumor predisposition; Hereditary Cancer Syndrome; Hereditary neoplastic syndrome. Identifiers: Orphanet 140162, MedGen C0027672, MeSH D009386, MONDO:0015356.
Tuberous sclerosis syndrome (TSC). Also called: Tuberous Sclerosis Complex; Tuberous sclerosis. Identifiers: Orphanet 805, MedGen C0041341, MONDO:0001734.
Tuberous sclerosis 2 (TSC2). Identifiers: Orphanet 805, MedGen C1860707, MONDO:0013199, OMIM 613254.

Allele frequency attached by ClinVar (database versions not stated): gnomAD exomes below 0.00001.

Submissions (3):

Ambry Genetics
Classification: Uncertain significance for Hereditary cancer-predisposing syndrome. Last evaluated: 2026-06-08. Review status: criteria provided, single submitter. Criteria: Ambry Variant Classification Scheme 2023. Collection method: clinical testing. Allele origin: germline.
Comment: The p.P579L variant (also known as c.1736C>T), located in coding exon 16 of the TSC2 gene, results from a C to T substitution at nucleotide position 1736. The proline at codon 579 is replaced by leucine, an amino acid with similar properties. This amino acid position is highly conserved in available vertebrate species. In addition, this alteration is predicted to be deleterious by in silico analysis. Based on the available evidence, the clinical significance of this variant remains unclear.

All of Us Research Program, National Institutes of Health
Classification: Uncertain significance for Tuberous sclerosis syndrome. Last evaluated: 2024-05-30. Review status: criteria provided, single submitter. Criteria: ACMG Guidelines, 2015. Collection method: clinical testing. Allele origin: germline. Inheritance: Autosomal dominant inheritance. Observed: 1 variant allele, 1 heterozygote.
Comment: This missense variant replaces proline with leucine at codon 579 of the TSC2 protein. Computational prediction suggests that this variant may have deleterious impact on protein structure and function (internally defined REVEL score threshold >= 0.7, PMID: 27666373). To our knowledge, functional studies have not been reported for this variant. This variant has not been reported in individuals affected with tuberous sclerosis complex in the literature. This variant has been identified in 1/250856 chromosomes in the general population by the Genome Aggregation Database (gnomAD). The available evidence is insufficient to determine the role of this variant in disease conclusively. Therefore, this variant is classified as a Variant of Uncertain Significance.

This study involves interpretation of variants in research participants for the purpose of population health screening. Participant phenotype was not available at the time of variant classification. Additional details can be found in publication PMID: 35346344, PMCID: PMC8962531

Labcorp Genetics (formerly Invitae), Labcorp
Classification: Likely benign for Tuberous sclerosis 2. Last evaluated: 2023-01-14. Review status: criteria provided, single submitter. Criteria: Invitae Variant Classification Sherloc (09022015). Collection method: clinical testing. Allele origin: germline.

NM_000548.5(TSC2):c.1736C>T (p.Pro579Leu)

Gene: TSC2 (TSC complex subunit 2; plus strand). Cytogenetic location: 16p13.3.
Variant type: single nucleotide variant.
Coding change: c.1736C>T on transcript NM_000548.5 (MANE Select); coding-DNA position 1736, C replaced by T.
Protein change: p.Pro579Leu; replaces proline 579 with leucine.
Molecular consequence: missense variant.
Genome position (GRCh38, 1-based): chr16:2,070,475, C>T. VCF-style: chr16-2070475-C-T. GRCh37 (hg19) VCF-style: chr16-2120476-C-T.
Other names: c.1736C>T, p.Pro579Leu (NM_001077183.3, NM_001114382.3, NM_021055.3 and 6 more transcripts); c.1826C>T, p.Pro609Leu (NM_001406667.1, NM_001406668.1); c.1625C>T, p.Pro542Leu (NM_001406670.1, NM_001406678.1, NM_001318827.2); c.1724C>T, p.Pro575Leu (NM_001406671.1, NM_001406673.1); c.1589C>T, p.Pro530Leu (NM_001406675.1, NM_001406676.1, NM_001318829.2 and 1 more transcripts); c.1679C>T, p.Pro560Leu (NM_001406677.1); c.392C>T, p.Pro131Leu (NM_001406689.1, NM_001406690.1, NM_001406691.1 and 6 more transcripts); c.134C>T, p.Pro45Leu (NM_001406698.1); and 3 more; short protein forms P131L, P575L, P609L, P530L, P379L, P45L, P542L, P560L.
Identifiers: ClinVar variation 1779077 (VCV001779077.9), dbSNP rs1471786715, ClinGen allele CA394272726.